The following is an entry in ClinVar:

ClinVar aggregate classification (germline): Conflicting classifications of pathogenicity. Review status: criteria provided, conflicting classifications (1 of 4 stars). 3 submissions from 3 submitters: Uncertain significance (2); Likely benign (1). Last evaluated 2024-04-18.

Conditions:
Lymphatic malformation 7 (LMPHM7). Also called: Hydrops fetalis, nonimmune, and/or atrial septal defect, susceptibility to. Identifiers: MedGen C4310629, MONDO:0015009, OMIM 617300.
Cardiovascular phenotype. Identifiers: MedGen CN230736.

Allele frequency attached by ClinVar (database versions not stated): ExAC 0.00003; gnomAD 0.00003; TOPMed 0.00003; gnomAD exomes 0.00004.
gnomAD v4.1: 26 of 1,535,038 alleles (0.0017%); highest among the groups gnomAD compares: Admixed American, 0.0022%; no homozygotes.

Submissions (3):

ARUP Laboratories, Molecular Genetics and Genomics, ARUP Laboratories
Classification: Uncertain significance. Last evaluated: 2024-04-18. Review status: criteria provided, single submitter. Criteria: ARUP Molecular Germline Variant Investigation Process 2024. Collection method: clinical testing. Allele origin: germline.
Comment: The EPHB4 c.2522C>T; p.Pro841Leu variant (rs763645511), to our knowledge, is not reported in the medical literature but is reported in ClinVar (Variation ID: 2521643). This variant is observed in the general population with an overall allele frequency of 0.003% (6/219664 alleles) in the Genome Aggregation Database (v2.1.1). Computational analyses are uncertain whether this variant is neutral or deleterious (REVEL: 0.62). Due to limited information, the clinical significance of this variant is uncertain at this time.

Ambry Genetics
Classification: Likely benign for Cardiovascular phenotype. Last evaluated: 2023-11-10. Review status: criteria provided, single submitter. Criteria: Ambry Variant Classification Scheme 2023. Collection method: clinical testing. Allele origin: germline.

Clinical Genomics Laboratory, Washington University in St. Louis
Classification: Uncertain significance for Lymphatic malformation 7. Last evaluated: 2023-09-22. Review status: criteria provided, single submitter. Criteria: ACMG Guidelines, 2015. Collection method: clinical testing. Allele origin: germline.
Comment: The EPHB4 c.2522C>T (p.Pro841Leu) variant was identified at a near heterozygous allelic fraction. This variant, to our knowledge, has not been reported in the medical literature. This variant is only observed on 5/152190 alleles in the general population (gnomAD v.3.1.2), indicating it is not a common variant. Computational predictors are uncertain as to the impact of this variant on EPHB4 function. Due to limited information and based on ACMG/AMP guidelines for variant interpretation (Richards S et al., PMID: 25741868), the clinical significance of this variant is uncertain at this time.

NM_004444.5(EPHB4):c.2522C>T (p.Pro841Leu)

Genes: EPHB4 (EPH receptor B4; minus strand), LOC126860124 (CDK7 strongly-dependent group 2 enhancer GRCh37_chr7:100403701-100404900; plus strand). Cytogenetic location: 7q22.1.
Variant type: single nucleotide variant.
Coding change: c.2522C>T on transcript NM_004444.5 (MANE Select); coding-DNA position 2522, C replaced by T.
Protein change: p.Pro841Leu; replaces proline 841 with leucine.
Molecular consequence: missense variant.
Genome position (GRCh38, 1-based): chr7:100,805,657, G>A on the plus strand (C>T on the coding strand, the complement: EPHB4 is on the minus strand). VCF-style: chr7-100805657-G-A. GRCh37 (hg19) VCF-style: chr7-100403279-G-A.
Other names: short protein forms P841L.
Identifiers: ClinVar variation 2521643 (VCV002521643.4), dbSNP rs763645511, ClinGen allele CA4392616.
Genomic context (GRCh38, chr7:100,805,657, plus strand): 5'-CGGTCTTTCTGCCAACAGTCCAGCATGAGCTGGTGGAGGGAGGTGGGACAGTCTGGGGGC[G>A]GGGGCAGCCGGTAGTCCTGTTCAATGGCATTGATCACCTGGAAAGAGGGGAAGAAGCTCT-3'
Protein context (NP_004435.3, residues 831-851): NAIEQDYRLP[Pro841Leu]PPDCPTSLHQ